The following is an entry in ClinVar:

NM_025077.4(TOE1):c.106G>A (p.Val36Ile)

Genes: MUTYH (mutY DNA glycosylase; minus strand), TOE1 (target of EGR1, exonuclease; plus strand). Cytogenetic location: 1p34.1.
Variant type: single nucleotide variant.
Coding change: c.106G>A on transcript NM_025077.4 (MANE Select); coding-DNA position 106, G replaced by A.
Protein change: p.Val36Ile; replaces valine 36 with isoleucine.
Molecular consequence: missense variant.
Genome position (GRCh38, 1-based): chr1:45,341,126, G>A. VCF-style: chr1-45341126-G-A. GRCh37 (hg19) VCF-style: chr1-45806798-G-A.
Other names: short protein forms V36I.
Identifiers: ClinVar variation 1336065 (VCV001336065.8), dbSNP rs140393352, ClinGen allele CA826448.

ClinVar aggregate classification (germline): Uncertain significance. Review status: criteria provided, multiple submitters, no conflicts (2 of 4 stars). 2 submissions from 2 submitters: Uncertain significance (2). Last evaluated 2023-12-11.

Allele frequency attached by ClinVar (database versions not stated): 1000 Genomes Project 30x 0.00031; gnomAD exomes 0.00064 and 0.00103; gnomAD 0.00065 and 0.00062; TOPMed 0.00076; 1000 Genomes Project 0.00040; ExAC 0.00077; ESP Exome Variant Server 0.00085.

Submissions (2):

Labcorp Genetics (formerly Invitae), Labcorp
Classification: Uncertain significance. Last evaluated: 2023-12-11. Review status: criteria provided, single submitter. Criteria: Invitae Variant Classification Sherloc (09022015). Collection method: clinical testing. Allele origin: germline.
Comment: This sequence change replaces valine, which is neutral and non-polar, with isoleucine, which is neutral and non-polar, at codon 36 of the TOE1 protein (p.Val36Ile). This variant is present in population databases (rs140393352, gnomAD 0.1%), and has an allele count higher than expected for a pathogenic variant. This variant has not been reported in the literature in individuals affected with TOE1-related conditions. ClinVar contains an entry for this variant (Variation ID: 1336065). Advanced modeling of protein sequence and biophysical properties (such as structural, functional, and spatial information, amino acid conservation, physicochemical variation, residue mobility, and thermodynamic stability) performed at Invitae indicates that this missense variant is not expected to disrupt TOE1 protein function with a negative predictive value of 80%. In summary, the available evidence is currently insufficient to determine the role of this variant in disease. Therefore, it has been classified as a Variant of Uncertain Significance.

Genetic Services Laboratory, University of Chicago
Classification: Uncertain significance. Last evaluated: 2020-10-20. Review status: criteria provided, single submitter. Criteria: ACMG Guidelines, 2015. Collection method: clinical testing. Allele origin: germline. Affected: no.